The following is an entry in ClinVar:

NM_033004.4(NLRP1):c.1370C>T (p.Thr457Met)

Gene: NLRP1 (NLR family pyrin domain containing 1; minus strand). Cytogenetic location: 17p13.2.
Variant type: single nucleotide variant.
Coding change: c.1370C>T on transcript NM_033004.4 (MANE Select); coding-DNA position 1370, C replaced by T.
Protein change: p.Thr457Met; replaces threonine 457 with methionine.
Molecular consequence: missense variant.
Genome position (GRCh38, 1-based): chr17:5,559,326, G>A on the plus strand (C>T on the coding strand, the complement: NLRP1 is on the minus strand). VCF-style: chr17-5559326-G-A. GRCh37 (hg19) VCF-style: chr17-5462646-G-A.
Other names: c.1370C>T, p.Thr457Met (NM_001033053.3, NM_014922.5, NM_033006.4 and 1 more transcripts); c.1370C>T (NM_033004.3); short protein forms T457M.
Identifiers: ClinVar variation 2997313 (VCV002997313.4), dbSNP rs778255342, ClinGen allele CA8327379.
Genomic context (GRCh38, chr17:5,559,326, plus strand): 5'-TCTACCCAACGTGCCTGCTCCAAAGAAGGAATGAGGTTCTGCAGAGCTGTGGTCCGAGCC[G>A]TGATCAGGAAGGATGCCTCGGGAAGTATAGTTTTCCCCAGCAAACTGCCCAGCAGTGCAT-3'
Protein context (NP_127497.1, residues 447-467): TILPEASFLI[Thr457Met]ARTTALQNLI

ClinVar aggregate classification (germline): Uncertain significance. Review status: criteria provided, multiple submitters, no conflicts (2 of 4 stars). 2 submissions from 2 submitters: Uncertain significance (2). Last evaluated 2025-10-20.

Conditions:
Inborn genetic diseases. Identifiers: MedGen C0950123, MeSH D030342.

Allele frequency attached by ClinVar (database versions not stated): TOPMed 0.00001; ExAC 0.00002; gnomAD 0.00004; gnomAD exomes 0.00001.
gnomAD v4.1: 16 of 1,613,996 alleles (0.00099%); highest among the groups gnomAD compares: Middle Eastern, 0.016%; no homozygotes.

Submissions (2):

Labcorp Genetics (formerly Invitae), Labcorp
Classification: Uncertain significance. Last evaluated: 2025-10-20. Review status: criteria provided, single submitter. Criteria: Invitae Variant Classification Sherloc (09022015). Collection method: clinical testing. Allele origin: germline.
Comment: This sequence change replaces threonine, which is neutral and polar, with methionine, which is neutral and non-polar, at codon 457 of the NLRP1 protein (p.Thr457Met). This variant is present in population databases (rs778255342, gnomAD 0.02%). This variant has not been reported in the literature in individuals affected with NLRP1-related conditions. ClinVar contains an entry for this variant (Variation ID: 2997313). An algorithm developed to predict the effect of missense changes on protein structure and function outputs the following: PolyPhen-2: "Probably Damaging". The methionine amino acid residue is found in multiple mammalian species, which suggests that this missense change does not adversely affect protein function. In summary, the available evidence is currently insufficient to determine the role of this variant in disease. Therefore, it has been classified as a Variant of Uncertain Significance.

Ambry Genetics
Classification: Uncertain significance for Inborn genetic diseases. Last evaluated: 2025-04-15. Review status: criteria provided, single submitter. Criteria: Ambry Variant Classification Scheme 2023. Collection method: clinical testing. Allele origin: germline.